The following is an entry in ClinVar:

ClinVar aggregate classification (germline): Uncertain significance (1 of 4 stars; one submission).

Allele frequency attached by ClinVar (database versions not stated): gnomAD exomes below 0.00001; ExAC 0.00001.
gnomAD v4.1: 4 of 1,542,346 alleles (0.00026%); highest among the groups gnomAD compares: Non-Finnish European, 0.00026%; no homozygotes.

Submission:

Labcorp Genetics (formerly Invitae), Labcorp
Classification: Uncertain significance. Last evaluated: 2021-08-24. Review status: criteria provided, single submitter. Criteria: Invitae Variant Classification Sherloc (09022015). Collection method: clinical testing. Allele origin: germline.
Comment: This sequence change replaces glycine with valine at codon 3318 of the ADGRV1 protein (p.Gly3318Val). The glycine residue is weakly conserved and there is a moderate physicochemical difference between glycine and valine. This variant is present in population databases (rs752777461, ExAC 0.002%). This missense change has been observed in individual(s) with Usher syndrome (Invitae). Algorithms developed to predict the effect of missense changes on protein structure and function are either unavailable or do not agree on the potential impact of this missense change (SIFT: "Deleterious"; PolyPhen-2: "Benign"; Align-GVGD: "Class C0"). In summary, the available evidence is currently insufficient to determine the role of this variant in disease. Therefore, it has been classified as a Variant of Uncertain Significance.

NM_032119.4(ADGRV1):c.9953G>T (p.Gly3318Val)

Gene: ADGRV1 (adhesion G protein-coupled receptor V1; plus strand). Cytogenetic location: 5q14.3.
Variant type: single nucleotide variant.
Coding change: c.9953G>T on transcript NM_032119.4 (MANE Select); coding-DNA position 9953, G replaced by T.
Protein change: p.Gly3318Val; replaces glycine 3318 with valine.
Molecular consequence: missense variant. On other transcripts: non-coding transcript variant (1).
Genome position (GRCh38, 1-based): chr5:90,725,132, G>T. VCF-style: chr5-90725132-G-T. GRCh37 (hg19) VCF-style: chr5-90020949-G-T.
Other names: short protein forms G3318V.
Identifiers: ClinVar variation 1477636 (VCV001477636.3), dbSNP rs752777461, ClinGen allele CA3340636.